The following is an entry in ClinVar:

ClinVar aggregate classification (germline): Uncertain significance (1 of 4 stars; one submission).

Conditions:
Familial hemiplegic migraine. Identifiers: MedGen C0338484, MONDO:0000700.

gnomAD v4.1: 1 of 1,613,982 alleles (0.000062%); highest among the groups gnomAD compares: Non-Finnish European, 0.000085%; no homozygotes.

Submission:

Labcorp Genetics (formerly Invitae), Labcorp
Classification: Uncertain significance for Familial hemiplegic migraine. Last evaluated: 2022-03-19. Review status: criteria provided, single submitter. Criteria: Invitae Variant Classification Sherloc (09022015). Collection method: clinical testing. Allele origin: germline.
Comment: In summary, the available evidence is currently insufficient to determine the role of this variant in disease. Therefore, it has been classified as a Variant of Uncertain Significance. Variants that disrupt the consensus splice site are a relatively common cause of aberrant splicing (PMID: 17576681, 9536098). Algorithms developed to predict the effect of sequence changes on RNA splicing suggest that this variant is not likely to affect RNA splicing. This variant has not been reported in the literature in individuals affected with ATP1A2-related conditions. This variant is not present in population databases (gnomAD no frequency). This sequence change falls in intron 18 of the ATP1A2 gene. It does not directly change the encoded amino acid sequence of the ATP1A2 protein. It affects a nucleotide within the consensus splice site.

Literature cited by the submitters: PubMed 17576681; PubMed 9536098.

NM_000702.4(ATP1A2):c.2563+6C>T

Gene: ATP1A2 (ATPase Na+/K+ transporting subunit alpha 2; plus strand). Cytogenetic location: 1q23.2.
Variant type: single nucleotide variant.
Coding change: c.2563+6C>T on transcript NM_000702.4 (MANE Select); 6 bases into the intron after coding-DNA position 2563, C replaced by T.
Molecular consequence: intron variant.
Genome position (GRCh38, 1-based): chr1:160,136,376, C>T. VCF-style: chr1-160136376-C-T. GRCh37 (hg19) VCF-style: chr1-160106166-C-T.
Identifiers: ClinVar variation 2114429 (VCV002114429.4), dbSNP rs1054443447, ClinGen allele CA31501741.